The following is an entry in ClinVar:

ClinVar aggregate classification (germline): Uncertain significance. Review status: criteria provided, multiple submitters, no conflicts (2 of 4 stars). 2 submissions from 2 submitters: Uncertain significance (2). Last evaluated 2023-06-23.

Allele frequency attached by ClinVar (database versions not stated): gnomAD 0.00001; ExAC 0.00002; gnomAD exomes 0.00002; TOPMed 0.00002.
gnomAD v4.1: 25 of 1,603,300 alleles (0.0016%); highest among the groups gnomAD compares: South Asian, 0.0022%; no homozygotes.

Submissions (2):

Women's Health and Genetics/Laboratory Corporation of America, LabCorp
Classification: Uncertain significance. Last evaluated: 2023-06-23. Review status: criteria provided, single submitter. Criteria: LabCorp Variant Classification Summary - May 2015. Collection method: clinical testing. Allele origin: germline.
Comment: Variant summary: POLG2 c.-5G>A is located in the untranslated mRNA region upstream of the initiation codon, where it alters a non-conserved position in the Kozak consensus sequence. The variant allele was found at a frequency of 2.1e-05 in 242762 control chromosomes (gnomAD). The available data on variant occurrences in the general population are insufficient to allow any conclusion about variant significance. To our knowledge, no occurrence of c.-5G>A in individuals affected with POLG2-Related Disorder and no experimental evidence demonstrating its impact on protein function have been reported. One submitter has cited clinical-significance assessments for this variant to ClinVar after 2014 and has classified the variant as uncertain significance. Based on the evidence outlined above, the variant was classified as uncertain significance.

CeGaT Center for Human Genetics Tuebingen
Classification: Uncertain significance. Last evaluated: 2020-04-01. Review status: criteria provided, single submitter. Criteria: CeGaT Center For Human Genetics Tuebingen Variant Classification Criteria Version 2. Collection method: clinical testing. Allele origin: germline. Affected: yes. Observed: 1 variant allele.

NM_007215.4(POLG2):c.-5G>A

Genes: MILR1 (mast cell immunoglobulin like receptor 1; plus strand), POLG2 (DNA polymerase gamma 2, accessory subunit; minus strand). Cytogenetic location: 17q23.3.
Variant type: single nucleotide variant.
Coding change: c.-5G>A on transcript NM_007215.4 (MANE Select); 5 bases upstream of the start codon, G replaced by A.
Molecular consequence: 5 prime UTR variant.
Genome position (GRCh38, 1-based): chr17:64,496,973, C>T on the plus strand (G>A on the coding strand, the complement: POLG2 is on the minus strand). VCF-style: chr17-64496973-C-T. GRCh37 (hg19) VCF-style: chr17-62493091-C-T.
Other names: c.-5G>A (NM_007215.3).
Identifiers: ClinVar variation 932431 (VCV000932431.40), dbSNP rs782806271, ClinGen allele CA8713111.